The following is an entry in ClinVar:

ClinVar aggregate classification (germline): Uncertain significance (1 of 4 stars; one submission).

Allele frequency attached by ClinVar (database versions not stated): gnomAD 0.00001; TOPMed 0.00001; gnomAD exomes 0.00003.
gnomAD v4.1: 50 of 1,613,982 alleles (0.0031%); highest among the groups gnomAD compares: Non-Finnish European, 0.0041%; no homozygotes.

Submission:

Labcorp Genetics (formerly Invitae), Labcorp
Classification: Uncertain significance. Last evaluated: 2023-07-13. Review status: criteria provided, single submitter. Criteria: Invitae Variant Classification Sherloc (09022015). Collection method: clinical testing. Allele origin: germline.
Comment: In summary, the available evidence is currently insufficient to determine the role of this variant in disease. Therefore, it has been classified as a Variant of Uncertain Significance. Advanced modeling of protein sequence and biophysical properties (such as structural, functional, and spatial information, amino acid conservation, physicochemical variation, residue mobility, and thermodynamic stability) performed at Invitae indicates that this missense variant is not expected to disrupt CEP97 protein function. This variant has not been reported in the literature in individuals affected with CEP97-related conditions. This variant is present in population databases (no rsID available, gnomAD 0.002%). This sequence change replaces arginine, which is basic and polar, with lysine, which is basic and polar, at codon 788 of the CEP97 protein (p.Arg788Lys).

NM_024548.4(CEP97):c.2363G>A (p.Arg788Lys)

Gene: CEP97 (centrosomal protein 97; plus strand). Cytogenetic location: 3q12.3.
Variant type: single nucleotide variant.
Coding change: c.2363G>A on transcript NM_024548.4 (MANE Select); coding-DNA position 2363, G replaced by A.
Protein change: p.Arg788Lys; replaces arginine 788 with lysine.
Molecular consequence: missense variant.
Genome position (GRCh38, 1-based): chr3:101,765,316, G>A. VCF-style: chr3-101765316-G-A. GRCh37 (hg19) VCF-style: chr3-101484160-G-A.
Other names: c.2186G>A, p.Arg729Lys (NM_001303401.2); c.2261G>A, p.Arg754Lys (NM_001410784.1); c.2084G>A, p.Arg695Lys (NM_001410785.1); short protein forms R729K, R754K, R695K, R788K.
Identifiers: ClinVar variation 3000445 (VCV003000445.3), dbSNP rs1465897836, ClinGen allele CA353881942.
Genomic context (GRCh38, chr3:101,765,316, plus strand): 5'-ACAATAGTCTGCTTGAACAGTATTTAACTTCAGTTCAACAGCTGGAAGATGCTGATGAGA[G>A]GACCAATTTTGATACAGAGACAAGAGATAGCAAACTTCACATTGCTTGTTTCCCAGTACA-3'
Protein context (NP_078824.2, residues 778-798): SVQQLEDADE[Arg788Lys]TNFDTETRDS